The following is an entry in ClinVar:

ClinVar aggregate classification (germline): Conflicting classifications of pathogenicity. Review status: criteria provided, conflicting classifications (1 of 4 stars). 15 submissions from 15 submitters: Uncertain significance (1); Benign (2); Likely benign (8). 4 of the submissions do not count toward it. Last evaluated 2026-07-01.

Conditions:
Connective tissue disorder. Also called: Connective tissue disease. Identifiers: MedGen C0009782, MONDO:0003900.
Familial thoracic aortic aneurysm and aortic dissection (TAAD). Also called: Thoracic aortic aneurysms and dissections. Identifiers: Orphanet 91387, MedGen C4707243, MONDO:0019625.
Aortic aneurysm, familial thoracic 7 (AAT7). Also called: AORTIC DISSECTION, FAMILIAL, WITH OR WITHOUT AORTIC ANEURYSM. Identifiers: MedGen C3151077, MONDO:0013418, OMIM 613780.

Allele frequency attached by ClinVar (database versions not stated): 1000 Genomes Project 30x 0.00016; 1000 Genomes Project 0.00020; ExAC 0.00051; gnomAD exomes 0.00072; gnomAD 0.00083 and 0.00088; ESP Exome Variant Server 0.00100; TOPMed 0.00100.
gnomAD v4.1: 2,356 of 1,614,202 alleles (0.15%); highest among the groups gnomAD compares: Non-Finnish European, 0.18%; 1 homozygote.

Submissions (15):

CeGaT Center for Human Genetics Tuebingen
Classification: Likely benign. Last evaluated: 2026-07-01. Review status: criteria provided, single submitter. Criteria: CeGaT Center For Human Genetics Tuebingen Variant Classification Criteria Version 2. Collection method: clinical testing. Allele origin: germline. Affected: yes. Observed: 2 variant alleles.
Comment: MYLK: BP4, BS1

Labcorp Genetics (formerly Invitae), Labcorp
Classification: Likely benign for Aortic aneurysm, familial thoracic 7. Last evaluated: 2026-02-04. Review status: criteria provided, single submitter. Criteria: Invitae Variant Classification Sherloc (09022015). Collection method: clinical testing. Allele origin: germline.

ARUP Laboratories, Molecular Genetics and Genomics, ARUP Laboratories
Classification: Likely benign. Last evaluated: 2025-04-07. Review status: criteria provided, single submitter. Criteria: ARUP Molecular Germline Variant Investigation Process 2024. Collection method: clinical testing. Allele origin: germline.

Blueprint Genetics
Classification: Likely benign. Last evaluated: 2024-10-31. Review status: criteria provided, single submitter. Criteria: ACMG Guidelines, 2015. Collection method: clinical testing. Allele origin: germline.

Women's Health and Genetics/Laboratory Corporation of America, LabCorp
Classification: Benign. Last evaluated: 2021-08-16. Review status: criteria provided, single submitter. Criteria: LabCorp Variant Classification Summary - May 2015. Collection method: clinical testing. Allele origin: germline.
Comment: Variant summary: MYLK c.3832-6C>T alters a conserved nucleotide located close to a canonical splice site and therefore could affect mRNA splicing, leading to a significantly altered protein sequence. 4/4 computational tools predict no significant impact on normal splicing. However, these predictions have yet to be confirmed by functional studies. The variant allele was found at a frequency of 0.00072 in 250054 control chromosomes in the gnomAD database, including 1 homozygote. The observed variant frequency is approximately 14 fold of the estimated maximal expected allele frequency for a pathogenic variant in MYLK causing Thoracic Aortic Aneurysms And Dissections phenotype (5e-05), strongly suggesting that the variant is benign. To our knowledge, no occurrence of c.3832-6C>T in individuals affected with Thoracic Aortic Aneurysms And Dissections and no experimental evidence demonstrating its impact on protein function have been reported. Seven clinical diagnostic laboratories have submitted clinical-significance assessments for this variant to ClinVar after 2014 without evidence for independent evaluation (likely benign, n=6). Based on the evidence outlined above, the variant was classified as benign.

CHEO Genetics Diagnostic Laboratory, Children's Hospital of Eastern Ontario
Classification: Benign for Familial thoracic aortic aneurysm and aortic dissection. Last evaluated: 2019-06-10. Review status: criteria provided, single submitter. Criteria: ACMG Guidelines, 2015. Collection method: clinical testing. Allele origin: germline.

Illumina Laboratory Services, Illumina
Classification: Uncertain significance for Aortic aneurysm, familial thoracic 7. Last evaluated: 2018-01-13. Review status: criteria provided, single submitter. Criteria: ICSL Variant Classification Criteria 13 December 2019. Collection method: clinical testing. Allele origin: germline.

GeneDx
Classification: Likely benign. Last evaluated: 2017-11-30. Review status: criteria provided, single submitter. Criteria: GeneDx Variant Classification (06012015). Collection method: clinical testing. Allele origin: germline. Affected: yes.
Comment: This variant is considered likely benign or benign based on one or more of the following criteria: it is a conservative change, it occurs at a poorly conserved position in the protein, it is predicted to be benign by multiple in silico algorithms, and/or has population frequency not consistent with disease.

Center for Human Genetics, Inc
Classification: Likely benign for Connective tissue disorder. Last evaluated: 2016-11-01. Review status: criteria provided, single submitter. Criteria: ACMG Guidelines, 2015. Collection method: clinical testing. Allele origin: germline. Affected: yes.

Laboratory for Molecular Medicine, Mass General Brigham Personalized Medicine
Classification: Likely benign. Last evaluated: 2015-11-03. Review status: criteria provided, single submitter. Criteria: LMM Criteria. Collection method: clinical testing. Allele origin: germline. Observed: 1 variant allele.
Comment: c.3832-6C>T in intron 22 of MYLK: This variant is not expected to have clinical significance because a C>T change at this position does not diverge from the spl ice consensus sequence and is therefore unlikely to impact splicing. It has also been identified in 52/66520 European chromosomes by the Exome Aggregation Conso rtium (ExAC; dbSNP rs185681684).

PreventionGenetics, part of Exact Sciences
Classification: Likely benign. Review status: criteria provided, single submitter. Criteria: ACMG Guidelines, 2015. Collection method: clinical testing. Allele origin: germline.

Clinical Genetics DNA and cytogenetics Diagnostics Lab, Erasmus MC, Erasmus Medical Center
Classification: Likely benign. Review status: no assertion criteria provided. Collection method: clinical testing. Allele origin: germline. Affected: yes. Study: VKGL Data-share Consensus. Not counted in ClinVar's aggregate classification.

Genome Diagnostics Laboratory, Amsterdam University Medical Center
Classification: Likely benign. Review status: no assertion criteria provided. Collection method: clinical testing. Allele origin: germline. Affected: yes. Study: VKGL Data-share Consensus. Not counted in ClinVar's aggregate classification.

Genome Diagnostics Laboratory, University Medical Center Utrecht
Classification: Likely benign. Review status: no assertion criteria provided. Collection method: clinical testing. Allele origin: germline. Affected: yes. Study: VKGL Data-share Consensus. Not counted in ClinVar's aggregate classification.

Laboratory of Diagnostic Genome Analysis, Leiden University Medical Center (LUMC)
Classification: Likely benign. Review status: no assertion criteria provided. Collection method: clinical testing. Allele origin: germline. Affected: yes. Study: VKGL Data-share Consensus. Not counted in ClinVar's aggregate classification.

NM_053025.4(MYLK):c.3832-6C>T

Gene: MYLK (myosin light chain kinase; minus strand). Cytogenetic location: 3q21.1.
Variant type: single nucleotide variant.
Coding change: c.3832-6C>T on transcript NM_053025.4 (MANE Select); 6 bases into the intron before coding-DNA position 3832, C replaced by T.
Molecular consequence: intron variant.
Genome position (GRCh38, 1-based): chr3:123,664,264, G>A on the plus strand (C>T on the coding strand, the complement: MYLK is on the minus strand). VCF-style: chr3-123664264-G-A. GRCh37 (hg19) VCF-style: chr3-123383111-G-A.
Other names: c.3304-6C>T (NM_001321309.2); c.3625-6C>T (NM_053028.4, NM_053026.4); c.3832-6C>T (NM_053027.4).
Identifiers: ClinVar variation 227624 (VCV000227624.72), dbSNP rs185681684, ClinGen allele CA070310.
Genomic context (GRCh38, chr3:123,664,264, plus strand): 5'-TGAGCTTGCTGCCATTCTCGCTGTTCTCCACCTTCATGTGCTCGCTTTCCTGGATCTAGG[G>A]GCGGAGGATGGAGCAGGTGCTGGAGCCTTGGGCCCCTGGGCTAGGAAAGGAAGGGGGCTC-3'